The following is an entry in ClinVar:

NM_004006.3(DMD):c.2656_2668del (p.Pro885_Gln886insTer)

Gene: DMD (dystrophin; minus strand). Cytogenetic location: Xp21.1.
Variant type: Deletion.
Coding change: c.2656_2668del on transcript NM_004006.3 (MANE Select); coding-DNA positions 2656 to 2668, 13 bases deleted (CAAATTGAACGAT).
Protein change: p.Pro885_Gln886insTer.
Molecular consequence: nonsense.
Genome position (GRCh38, 1-based): chrX:32,485,054-32,485,066, ATCGTTCAATTTG deleted on the plus strand (CAAATTGAACGAT on the coding strand, the reverse complement: DMD is on the minus strand); deleting any 13 consecutive bases within chrX:32,485,054-32,485,067 gives the same sequence; the c. name uses the placement nearest the transcript's 3' end. VCF-style (leftmost placement, unchanged base first): chrX-32485053-AATCGTTCAATTTG-A. GRCh37 (hg19) VCF-style: chrX-32503170-AATCGTTCAATTTG-A.
Other names: c.2632_2644del, p.Pro877_Gln878insTer (NM_000109.4); c.2644_2656del, p.Pro881_Gln882insTer (NM_004009.3); c.2287_2299del, p.Pro762_Gln763insTer (NM_004010.3).
Identifiers: ClinVar variation 1806411 (VCV001806411.1), dbSNP rs2524916271, ClinGen allele CA2580100700.

ClinVar aggregate classification (germline): Likely pathogenic (1 of 4 stars; one submission).

Conditions:
Duchenne muscular dystrophy (DMD). Also called: MUSCULAR DYSTROPHY, PSEUDOHYPERTROPHIC PROGRESSIVE, DUCHENNE TYPE; Duchenne Muscular Dystrophy (DMD). Identifiers: Orphanet 98896, MedGen C0013264, MONDO:0010679, OMIM 310200.

Submission:

Laboratory of Medical Genetics, National & Kapodistrian University of Athens
Classification: Likely pathogenic for Duchenne muscular dystrophy. Last evaluated: 2022-12-16. Review status: criteria provided, single submitter. Criteria: ACMG Guidelines, 2015. Collection method: clinical testing. Allele origin: germline. Affected: yes.
Comment: PVS1, PM2